The following is an entry in ClinVar:

NM_000143.4(FH):c.1357_1358del (p.Leu453fs)

Gene: FH (fumarate hydratase; minus strand). Cytogenetic location: 1q43.
Variant type: Microsatellite.
Coding change: c.1357_1358del on transcript NM_000143.4 (MANE Select); coding-DNA positions 1357 to 1358, 2 bases deleted (CT; older notation c.1357_1358delCT).
Protein change: p.Leu453fs; shifts the reading frame from leucine 453.
Molecular consequence: frameshift variant.
Genome position (GRCh38, 1-based): chr1:241,500,469-241,500,470, AG deleted on the plus strand (CT on the coding strand, the reverse complement: FH is on the minus strand); deleting any 2 consecutive bases within chr1:241,500,469-241,500,473 gives the same sequence; the c. name uses the placement nearest the transcript's 3' end. VCF-style (leftmost placement, unchanged base first): chr1-241500468-TAG-T. GRCh37 (hg19) VCF-style: chr1-241663768-TAG-T.
Other names: c.1357_1358delCT (NM_000143.3); short protein forms L453fs.
Identifiers: ClinVar variation 214404 (VCV000214404.3), dbSNP rs863223991, ClinGen allele CA321582.
Genomic context (GRCh38, chr1:241,500,468, plus strand): 5'-AATGATATTATTATTCCTTAAACACTTACCTATATGAGGATTGAGAGCTGTCACCAACAT[TAG>T]AGACTCATTCATCAGCTTGTTGATCCTTTCTGTATTGGCCTGGATTCCCACCACGCAGTT-3'

ClinVar aggregate classification (germline): Pathogenic. Review status: criteria provided, multiple submitters, no conflicts (2 of 4 stars). 2 submissions from 2 submitters: Pathogenic (2). Last evaluated 2025-01-28.

Submissions (2):

Labcorp Genetics (formerly Invitae), Labcorp
Classification: Pathogenic. Last evaluated: 2025-01-28. Review status: criteria provided, single submitter. Criteria: Invitae Variant Classification Sherloc (09022015). Collection method: clinical testing. Allele origin: germline.
Comment: This sequence change creates a premature translational stop signal (p.Leu453Asnfs*13) in the FH gene. While this is not anticipated to result in nonsense mediated decay, it is expected to disrupt the last 58 amino acid(s) of the FH protein. This variant is not present in population databases (gnomAD no frequency). This premature translational stop signal has been observed in individual(s) with clinical features of hereditary leiomyomatosis and renal cell cancer (PMID: 26632803). This variant disrupts a region of the FH protein in which other variant(s) (p.Leu453Pro) have been determined to be pathogenic (PMID: 21560188). This suggests that this is a clinically significant region of the protein, and that variants that disrupt it are likely to be disease-causing. For these reasons, this variant has been classified as Pathogenic.

GeneDx
Classification: Pathogenic. Last evaluated: 2013-12-13. Review status: criteria provided, single submitter. Criteria: GeneDx Variant Classification (06012015). Collection method: clinical testing. Allele origin: germline. Affected: yes.
Comment: The c.1357_1358delCT mutation in the FH gene causes a frameshift starting with codon Leucine 453, changes this amino acid to a an Asparagine residue and creates a premature Stop codon at position 13 of the new reading frame, denoted p.Leu453AsnfsX13. This mutation is predicted to cause loss of normal protein function through protein truncation. Specifically, the last 58 correct residues are replaced with 12 incorrect residues. Although this mutation has not been previously reported to our knowledge, its presence is consistent with a diagnosis of hereditary leiomyomatosis and renal cell cancer. The variant is found in FH panel(s).

Literature cited by the submitters: PubMed 26632803 (cited by Labcorp Genetics (formerly Invitae), Labcorp); PubMed 21560188 (cited by Labcorp Genetics (formerly Invitae), Labcorp).